The following is an entry in ClinVar:

NM_144658.4(DOCK11):c.5009C>T (p.Thr1670Ile)

Gene: DOCK11 (dedicator of cytokinesis 11; plus strand). Cytogenetic location: Xq24.
Variant type: single nucleotide variant.
Coding change: c.5009C>T on transcript NM_144658.4 (MANE Select); coding-DNA position 5009, C replaced by T.
Protein change: p.Thr1670Ile; replaces threonine 1670 with isoleucine.
Molecular consequence: missense variant.
Genome position (GRCh38, 1-based): chrX:118,662,725, C>T. VCF-style: chrX-118662725-C-T. GRCh37 (hg19) VCF-style: chrX-117796688-C-T.
Other names: short protein forms T1670I.
Identifiers: ClinVar variation 4990911 (VCV004990911.1).

ClinVar aggregate classification (germline): Uncertain significance (1 of 4 stars; one submission).

Conditions:
DOCK11-related disorder. Also called: DOCK11-related condition.

gnomAD v4.1: 2 of 1,199,996 alleles (0.00017%); highest among the groups gnomAD compares: Non-Finnish European, 0.00023%; no homozygotes.

Submission:

PreventionGenetics, part of Exact Sciences
Classification: Uncertain significance for DOCK11-related condition. Last evaluated: 2026-05-14. Review status: criteria provided, single submitter. Criteria: ACMG Guidelines, 2015. Collection method: clinical testing. Allele origin: germline.
Comment: The DOCK11 c.5009C>T variant is predicted to result in the amino acid substitution p.Thr1670Ile. To our knowledge, this variant has not been reported in the literature. This variant is reported in 0.0025% of alleles in individuals of European (Non-Finnish) descent in gnomAD, including one hemizygote. At this time, the clinical significance of this variant is uncertain due to the absence of conclusive functional and genetic evidence.